The following is an entry in ClinVar:

ClinVar aggregate classification (germline): Pathogenic (1 of 4 stars; one submission).

Conditions:
Neurofibromatosis, type 1 (NF1). Also called: NEUROFIBROMATOSIS, TYPE I, SOMATIC; VON RECKLINGHAUSEN DISEASE; Peripheral type neurofibromatosis; Neurofibromatosis, type I. Identifiers: Orphanet 636, MedGen C0027831, MONDO:0018975, OMIM 162200. Disease mechanism: loss of function.

Submission:

Labcorp Genetics (formerly Invitae), Labcorp
Classification: Pathogenic for Neurofibromatosis, type 1. Last evaluated: 2021-08-19. Review status: criteria provided, single submitter. Criteria: Invitae Variant Classification Sherloc (09022015). Collection method: clinical testing. Allele origin: germline.
Comment: For these reasons, this variant has been classified as Pathogenic. This variant has not been reported in the literature in individuals affected with NF1-related conditions. This variant is not present in population databases (ExAC no frequency). This sequence change creates a premature translational stop signal (p.Ala542Valfs*16) in the NF1 gene. It is expected to result in an absent or disrupted protein product. Loss-of-function variants in NF1 are known to be pathogenic (PMID: 10712197, 23913538).

Literature cited by the submitters: PubMed 10712197; PubMed 23913538.

NM_001042492.3(NF1):c.1624_1625insT (p.Ala542fs)

Gene: NF1 (neurofibromin 1; plus strand). Cytogenetic location: 17q11.2.
Variant type: Insertion.
Coding change: c.1624_1625insT on transcript NM_001042492.3 (MANE Select); coding-DNA positions 1624 to 1625, T inserted.
Protein change: p.Ala542fs; shifts the reading frame from alanine 542.
Molecular consequence: frameshift variant.
Genome position: GRCh38 VCF-style: chr17-31219101-G-GT. GRCh37 (hg19) VCF-style: chr17-29546119-G-GT.
Other names: c.1624_1625insT, p.Ala542Valfs (NM_000267.4); c.1624_1625insT, p.Ala542fs (NM_001128147.3); short protein forms A542fs.
Identifiers: ClinVar variation 1451718 (VCV001451718.6), dbSNP rs2143987192, ClinGen allele CA2573153216.